The following is an entry in ClinVar:

NM_152743.4(BRAT1):c.1736C>T (p.Ala579Val)

Gene: BRAT1 (BRCA1 associated ATM activator 1; minus strand). Cytogenetic location: 7p22.3.
Variant type: single nucleotide variant.
Coding change: c.1736C>T on transcript NM_152743.4 (MANE Select); coding-DNA position 1736, C replaced by T.
Protein change: p.Ala579Val; replaces alanine 579 with valine.
Molecular consequence: missense variant. On other transcripts: non-coding transcript variant (1).
Genome position (GRCh38, 1-based): chr7:2,539,213, G>A on the plus strand (C>T on the coding strand, the complement: BRAT1 is on the minus strand). VCF-style: chr7-2539213-G-A. GRCh37 (hg19) VCF-style: chr7-2578847-G-A.
Other names: c.1736C>T, p.Ala579Val (NM_001350626.2); c.1211C>T, p.Ala404Val (NM_001350627.2); c.1736C>T (NM_152743.3); short protein forms A579V, A404V.
Identifiers: ClinVar variation 1387311 (VCV001387311.7), dbSNP rs752210141, ClinGen allele CA366626373.
Genomic context (GRCh38, chr7:2,539,213, plus strand): 5'-TGGCTGAGGAACCTGCCACCTCCTACCTGCCGGGCCTCTGCATGCTCAGGGCTGGTGGGG[G>A]CGTGCAGGCCCTGGCTGGACAGCTGCCCCATGGCGGTCACTGCACTCGCTCGGACATAAC-3'
Protein context (NP_689956.2, residues 569-589): MGQLSSQGLH[Ala579Val]PTSPEHAEAR

ClinVar aggregate classification (germline): Uncertain significance. Review status: criteria provided, multiple submitters, no conflicts (2 of 4 stars). 2 submissions from 2 submitters: Uncertain significance (2). Last evaluated 2025-11-26.

Conditions:
Inborn genetic diseases. Identifiers: MedGen C0950123, MeSH D030342.
Neonatal-onset encephalopathy with rigidity and seizures. Also called: Lethal neonatal spasticity-epileptic encephalopathy syndrome. Identifiers: Orphanet 435845, MedGen C3281029, MONDO:0013784, OMIM 614498.

Submissions (2):

Ambry Genetics
Classification: Uncertain significance for Inborn genetic diseases. Last evaluated: 2025-11-26. Review status: criteria provided, single submitter. Criteria: Ambry Variant Classification Scheme 2023. Collection method: clinical testing. Allele origin: germline.

Labcorp Genetics (formerly Invitae), Labcorp
Classification: Uncertain significance for Neonatal-onset encephalopathy with rigidity and seizures. Last evaluated: 2022-02-21. Review status: criteria provided, single submitter. Criteria: Invitae Variant Classification Sherloc (09022015). Collection method: clinical testing. Allele origin: germline.
Comment: This sequence change replaces alanine, which is neutral and non-polar, with valine, which is neutral and non-polar, at codon 579 of the BRAT1 protein (p.Ala579Val). In summary, the available evidence is currently insufficient to determine the role of this variant in disease. Therefore, it has been classified as a Variant of Uncertain Significance. Algorithms developed to predict the effect of missense changes on protein structure and function output the following: SIFT: "Tolerated"; PolyPhen-2: "Benign"; Align-GVGD: "Class C0". The valine amino acid residue is found in multiple mammalian species, which suggests that this missense change does not adversely affect protein function. This variant has not been reported in the literature in individuals affected with BRAT1-related conditions. This variant is present in population databases (no rsID available, gnomAD 0.003%).